The following is an entry in ClinVar:

NM_001291303.3(FAT4):c.9472C>G (p.Leu3158Val)

Gene: FAT4 (FAT atypical cadherin 4; plus strand). Cytogenetic location: 4q28.1.
Variant type: single nucleotide variant.
Coding change: c.9472C>G on transcript NM_001291303.3 (MANE Select); coding-DNA position 9472, C replaced by G.
Protein change: p.Leu3158Val; replaces leucine 3158 with valine.
Molecular consequence: missense variant.
Genome position (GRCh38, 1-based): chr4:125,450,482, C>G. VCF-style: chr4-125450482-C-G. GRCh37 (hg19) VCF-style: chr4-126371637-C-G.
Other names: c.9472C>G, p.Leu3158Val (NM_001291285.3); c.9466C>G, p.Leu3156Val (NM_024582.6); short protein forms L3158V, L3156V.
Identifiers: ClinVar variation 1939556 (VCV001939556.5), dbSNP rs1726017363, ClinGen allele CA358152205.

ClinVar aggregate classification (germline): Uncertain significance (1 of 4 stars; one submission).

Allele frequency attached by ClinVar (database versions not stated): gnomAD exomes below 0.00001.
gnomAD v4.1: 2 of 1,614,100 alleles (0.00012%); highest among the groups gnomAD compares: Non-Finnish European, 0.00017%; no homozygotes.

Submission:

Labcorp Genetics (formerly Invitae), Labcorp
Classification: Uncertain significance. Last evaluated: 2022-03-15. Review status: criteria provided, single submitter. Criteria: Invitae Variant Classification Sherloc (09022015). Collection method: clinical testing. Allele origin: germline.
Comment: In summary, the available evidence is currently insufficient to determine the role of this variant in disease. Therefore, it has been classified as a Variant of Uncertain Significance. Advanced modeling of protein sequence and biophysical properties (such as structural, functional, and spatial information, amino acid conservation, physicochemical variation, residue mobility, and thermodynamic stability) performed at Invitae indicates that this missense variant is not expected to disrupt FAT4 protein function. This variant has not been reported in the literature in individuals affected with FAT4-related conditions. This variant is not present in population databases (gnomAD no frequency). This sequence change replaces leucine, which is neutral and non-polar, with valine, which is neutral and non-polar, at codon 3156 of the FAT4 protein (p.Leu3156Val).